The following is an entry in ClinVar:

ClinVar aggregate classification (germline): Uncertain significance. Review status: criteria provided, multiple submitters, no conflicts (2 of 4 stars). 4 submissions from 4 submitters: Uncertain significance (4). Last evaluated 2026-03-24.

Conditions:
Hereditary cancer-predisposing syndrome. Also called: Neoplastic Syndromes, Hereditary; Tumor predisposition; Hereditary neoplastic syndrome; Hereditary Cancer Syndrome. Identifiers: Orphanet 140162, MedGen C0027672, MeSH D009386, MONDO:0015356.
MSH3-related disorder. Also called: MSH3-related condition.

Allele frequency attached by ClinVar (database versions not stated): gnomAD exomes 0.00001 and 0.00002; ExAC 0.00002; TOPMed 0.00003; gnomAD 0.00005.

Submissions (4):

PreventionGenetics, part of Exact Sciences
Classification: Uncertain significance for MSH3-related condition. Last evaluated: 2026-03-24. Review status: criteria provided, single submitter. Criteria: ACMG Guidelines, 2015. Collection method: clinical testing. Allele origin: germline.
Comment: The MSH3 c.1847G>A variant is predicted to result in the amino acid substitution p.Arg616His. To our knowledge, this variant has not been reported in the literature. This variant is reported in 0.024% of alleles in individuals of African descent in gnomAD and is interpreted as uncertain in ClinVar (Variation ID: 648554). At this time, the clinical significance of this variant is uncertain due to the absence of conclusive functional and genetic evidence.

Labcorp Genetics (formerly Invitae), Labcorp
Classification: Uncertain significance. Last evaluated: 2025-10-08. Review status: criteria provided, single submitter. Criteria: Invitae Variant Classification Sherloc (09022015). Collection method: clinical testing. Allele origin: germline.
Comment: This sequence change replaces arginine, which is basic and polar, with histidine, which is basic and polar, at codon 616 of the MSH3 protein (p.Arg616His). This variant is present in population databases (rs764683130, gnomAD 0.02%). This variant has not been reported in the literature in individuals affected with MSH3-related conditions. ClinVar contains an entry for this variant (Variation ID: 648554). An algorithm developed to predict the effect of missense changes on protein structure and function outputs the following: PolyPhen-2: "Benign". The histidine amino acid residue is found in multiple mammalian species, which suggests that this missense change does not adversely affect protein function. In summary, the available evidence is currently insufficient to determine the role of this variant in disease. Therefore, it has been classified as a Variant of Uncertain Significance.

Ambry Genetics
Classification: Uncertain significance for Hereditary cancer-predisposing syndrome. Last evaluated: 2025-09-25. Review status: criteria provided, single submitter. Criteria: Ambry Variant Classification Scheme 2023. Collection method: clinical testing. Allele origin: germline.

Quest Diagnostics Nichols Institute San Juan Capistrano
Classification: Uncertain significance. Last evaluated: 2023-02-08. Review status: criteria provided, single submitter. Criteria: Quest Diagnostics criteria. Collection method: clinical testing. Allele origin: unknown.
Comment: The variant has not been reported in individuals with MSH3-related conditions in the published literature. The frequency of this variant in the general population, 0.00024 (6/24956 chromosomes), is uninformative in assessment of its pathogenicity. Analysis of this variant using bioinformatics tools for the prediction of the effect of amino acid changes on protein structure and function yielded predictions that this variant is benign. Based on the available information, we are unable to determine the clinical significance of this variant.

NM_002439.5(MSH3):c.1847G>A (p.Arg616His)

Gene: MSH3 (mutS homolog 3; plus strand). Cytogenetic location: 5q14.1.
Variant type: single nucleotide variant.
Coding change: c.1847G>A on transcript NM_002439.5 (MANE Select); coding-DNA position 1847, G replaced by A.
Protein change: p.Arg616His; replaces arginine 616 with histidine.
Molecular consequence: missense variant.
Genome position (GRCh38, 1-based): chr5:80,761,629, G>A. VCF-style: chr5-80761629-G-A. GRCh37 (hg19) VCF-style: chr5-80057448-G-A.
Other names: short protein forms R616H.
Identifiers: ClinVar variation 648554 (VCV000648554.15), dbSNP rs764683130, ClinGen allele CA3328063.